The following is an entry in ClinVar:

NM_000214.3(JAG1):c.646G>A (p.Gly216Ser)

Gene: JAG1 (jagged canonical Notch ligand 1; minus strand). Cytogenetic location: 20p12.2.
Variant type: single nucleotide variant.
Coding change: c.646G>A on transcript NM_000214.3 (MANE Select); coding-DNA position 646, G replaced by A.
Protein change: p.Gly216Ser; replaces glycine 216 with serine.
Molecular consequence: missense variant.
Genome position (GRCh38, 1-based): chr20:10,658,516, C>T on the plus strand (G>A on the coding strand, the complement: JAG1 is on the minus strand). VCF-style: chr20-10658516-C-T. GRCh37 (hg19) VCF-style: chr20-10639164-C-T.
Other names: short protein forms G216S.
Identifiers: ClinVar variation 3573349 (VCV003573349.2).
Genomic context (GRCh38, chr20:10,658,516, plus strand): 5'-ACACACACATACCTCTGTTACATTCGGGGCCCATCCAGCCTTCCATGCAAGTTTTGTTGC[C>T]ATTCTGGTCACAGGCATAGTGTCCAAAGAAGTCATCTCTGGGGCGGCAGAACTTATTGCA-3'
Protein context (NP_000205.1, residues 206-226): FFGHYACDQN[Gly216Ser]NKTCMEGWMG

Conditions:
Arteriohepatic dysplasia. Also called: Alagille Syndrome. Identifiers: Orphanet 52, MedGen C0085280, MeSH D016738, MONDO:0007318.

Submission:

Gilbert/Spinner Lab, Children's Hospital of Philadelphia
No classification provided (evidence only). Condition: Alagille syndrome. Review status: no classification provided. Collection method: research. Allele origin: not applicable. Functional consequence: functionally_abnormal.
ClinVar note: "not provided" was previously submitted as the classification for the variant. However, the classification appeared to be based only on an observation of functional data so it was converted to no classification on 2025-07-30.